The following is an entry in ClinVar:

ClinVar aggregate classification (germline): Pathogenic (1 of 4 stars; one submission).

Conditions:
Fabry disease. Also called: ALPHA-GALACTOSIDASE A DEFICIENCY; ANDERSON-FABRY DISEASE; CERAMIDE TRIHEXOSIDASE DEFICIENCY; GLA DEFICIENCY; HEREDITARY DYSTOPIC LIPIDOSIS; Angiokeratoma corporis diffusum. Identifiers: Orphanet 324, MedGen C0002986, MONDO:0010526, OMIM 301500, HP:0001071. Disease mechanism: Fabry disease is due to inactivating mutations in the X-linked GLA gene resulting in deficiency of the enzyme Alpha Galactosidase-A., loss of function.

Submission:

Genomenon, Inc
Classification: Pathogenic for Fabry disease. Last evaluated: 2026-09-08. Review status: criteria provided, single submitter. Criteria: Genomenon Sequence Variant Interpretation Standards - Updated. Collection method: curation. Allele origin: germline. Affected: yes.
Comment: GLA c.802-1G>C is a canonical splice variant affecting the acceptor splice site of intron 5. It is predicted to affect mRNA splicing, leading to a deleterious effect on the GLA protein. This variant has been observed in at least one proband with clinical features consistent with Fabry disease (PMID:26083343). Functional or patient cell studies have been reported (PMID:24236025). It is absent or not present at a significant frequency in gnomAD. In conclusion, we classify GLA c.802-1G>C as a pathogenic variant.

Literature cited by the submitters: PubMed 26083343; PubMed 24236025.

NM_000169.3(GLA):c.802-1G>C

Genes: GLA (galactosidase alpha; minus strand), RPL36A-HNRNPH2 (RPL36A-HNRNPH2 readthrough; plus strand). Cytogenetic location: Xq22.1.
Variant type: single nucleotide variant.
Coding change: c.802-1G>C on transcript NM_000169.3 (MANE Select); the canonical splice acceptor site of the intron before coding-DNA position 802, G replaced by C.
Molecular consequence: splice acceptor variant. On other transcripts: intron variant (2).
Genome position (GRCh38, 1-based): chrX:101,398,568, C>G on the plus strand (G>C on the coding strand, the complement: GLA is on the minus strand). VCF-style: chrX-101398568-C-G. GRCh37 (hg19) VCF-style: chrX-100653556-C-G.
Other names: c.300+3111C>G (NM_001199973.2); c.177+6746C>G (NM_001199974.2); c.925-1G>C (NM_001406747.1); c.802-1G>C (NM_001406748.1).
Identifiers: ClinVar variation 4087226 (VCV004087226.2).